The following is an entry in ClinVar:

ClinVar aggregate classification (germline): Benign (1 of 4 stars; one submission).

Allele frequency attached by ClinVar (database versions not stated): gnomAD 0.26136 and 0.26723; TOPMed 0.27586; 1000 Genomes Project 0.35603; 1000 Genomes Project 30x 0.35540.
gnomAD v4.1: 40,516 of 152,256 alleles (27%); highest among the groups gnomAD compares: East Asian, 39%; 6,041 homozygotes.

Submission:

GeneDx
Classification: Benign. Last evaluated: 2018-06-14. Review status: criteria provided, single submitter. Criteria: GeneDx Variant Classification (06012015). Collection method: clinical testing. Allele origin: germline. Affected: yes.
Comment: This variant is considered likely benign or benign based on one or more of the following criteria: it is a conservative change, it occurs at a poorly conserved position in the protein, it is predicted to be benign by multiple in silico algorithms, and/or has population frequency not consistent with disease.

NM_018480.4(TMEM126B):c.-308C>T

Genes: DLG2 (discs large MAGUK scaffold protein 2; minus strand), TMEM126B (transmembrane protein 126B; plus strand), LOC130006547 (ATAC-STARR-seq lymphoblastoid active region 5363; plus strand). Cytogenetic location: 11q14.1.
Variant type: single nucleotide variant.
Coding change: c.-308C>T on transcript NM_018480.4; 308 bases upstream of the start codon, C replaced by T.
Molecular consequence: 5 prime UTR variant (on NM_001351274.2).
Genome position (GRCh38, 1-based): chr11:85,628,300, C>T. VCF-style: chr11-85628300-C-T. GRCh37 (hg19) VCF-style: chr11-85339344-C-T.
Other names: c.-748G>A (NM_001351274.2); c.-1683G>A (NM_001351275.2).
Identifiers: ClinVar variation 671602 (VCV000671602.3), dbSNP rs3817087, ClinGen allele CA13445930.
Genomic context (GRCh38, chr11:85,628,300, plus strand): 5'-CAGGCAGCTAGTTCCCAGCTGCCCTGAGGAGAGGCAGGAGCGCAGTAACATTACAACATT[C>T]GGGCCGCCCCATCTTTCCCGCAGGACGCGAAGAGATCAGGGAGCTAAGCTGATAAATAGT-3'